The following is an entry in ClinVar:

NM_000202.8(IDS):c.708+1G>T

Genes: IDS (iduronate 2-sulfatase; minus strand), LOC106050102 (IDS recombination region; plus strand). Cytogenetic location: Xq28.
Variant type: single nucleotide variant.
Coding change: c.708+1G>T on transcript NM_000202.8 (MANE Select); the canonical splice donor site of the intron after coding-DNA position 708, G replaced by T.
Molecular consequence: splice donor variant.
Genome position (GRCh38, 1-based): chrX:149,498,106, C>A on the plus strand (G>T on the coding strand, the complement: IDS is on the minus strand). VCF-style: chrX-149498106-C-A. GRCh37 (hg19) VCF-style: chrX-148579637-C-A.
Other names: c.438+1G>T (NM_001166550.4); c.708+1G>T (NM_006123.5).
Identifiers: ClinVar variation 854324 (VCV000854324.12), dbSNP rs864622778, ClinGen allele CA414522121.
Genomic context (GRCh38, chrX:149,498,106, plus strand): 5'-CCCTCAACAAACAACACAGCTGTCACAGCTGTGCTGGATCAGCCCTCAACCAGCTCTTCA[C>A]CTTGGGGTATCTGAAGGGGATGTGTGGCTTATGATACCCAACGGCCAGGAAGAAAGGACT-3'

ClinVar aggregate classification (germline): Pathogenic. Review status: criteria provided, multiple submitters, no conflicts (2 of 4 stars). 2 submissions from 2 submitters: Pathogenic (2). Last evaluated 2024-06-07.

Conditions:
Mucopolysaccharidosis, MPS-II (MPS2). Also called: Attenuated MPS (subtype; formerly known as mild MPS II); Severe MPS II; I2S deficiency; MPS 2; Hunter Syndrome; IDURONATE 2-SULFATASE DEFICIENCY. Identifiers: Orphanet 580, Orphanet 79388, MedGen C0026705, MONDO:0010674, OMIM 309900.

Submissions (2):

Laboratory of Diagnosis and Therapy of Lysosomal Disorders, University of Padova
Classification: Pathogenic for Mucopolysaccharidosis, MPS-II. Last evaluated: 2024-06-07. Review status: criteria provided, single submitter. Criteria: ACMG Guidelines, 2015. Collection method: literature only. Allele origin: germline. Affected: yes. Observed: 2 variant alleles.
Comment: Null variant (PVS1_Strong), Absent from controls (or at low frequency) in gnomAD database (PM2_Moderate), Patient’s phenotype or family history highly specific for the disease (PP4_Strong)

Classification method: ACMG Guidelines [PMID:25741868] with modifications

Labcorp Genetics (formerly Invitae), Labcorp
Classification: Pathogenic for Mucopolysaccharidosis, MPS-II. Last evaluated: 2020-01-27. Review status: criteria provided, single submitter. Criteria: Invitae Variant Classification Sherloc (09022015). Collection method: clinical testing. Allele origin: germline.
Comment: For these reasons, this variant has been classified as Pathogenic. Donor and acceptor splice site variants typically lead to a loss of protein function (PMID: 16199547), and loss-of-function variants in IDS are known to be pathogenic (PMID: 8940265, 9875019). Algorithms developed to predict the effect of sequence changes on RNA splicing suggest that this variant may disrupt the consensus splice site, but this prediction has not been confirmed by published transcriptional studies. Disruption of this splice site has been observed in individuals affected with Mucopolysaccharidosis type II (PMID: 27246110, 27896113). This variant is not present in population databases (ExAC no frequency). This sequence change affects a donor splice site in intron 5 of the IDS gene. It is expected to disrupt RNA splicing and likely results in an absent or disrupted protein product.

Literature cited by the submitters: PubMed 8664909 (cited by Laboratory of Diagnosis and Therapy of Lysosomal Disorders, University of Padova); PubMed 27246110 (cited by Laboratory of Diagnosis and Therapy of Lysosomal Disorders, University of Padova and Labcorp Genetics (formerly Invitae), Labcorp); PubMed 16199547 (cited by Labcorp Genetics (formerly Invitae), Labcorp); PubMed 8940265 (cited by Labcorp Genetics (formerly Invitae), Labcorp); PubMed 9875019 (cited by Labcorp Genetics (formerly Invitae), Labcorp); PubMed 27896113 (cited by Labcorp Genetics (formerly Invitae), Labcorp).